The following is an entry in ClinVar:

NM_004946.3(DOCK2):c.2281A>G (p.Lys761Glu)

Gene: DOCK2 (dedicator of cytokinesis 2; plus strand). Cytogenetic location: 5q35.1.
Variant type: single nucleotide variant.
Coding change: c.2281A>G on transcript NM_004946.3 (MANE Select); coding-DNA position 2281, A replaced by G.
Protein change: p.Lys761Glu; replaces lysine 761 with glutamic acid.
Molecular consequence: missense variant. On other transcripts: non-coding transcript variant (1).
Genome position (GRCh38, 1-based): chr5:169,747,409, A>G. VCF-style: chr5-169747409-A-G. GRCh37 (hg19) VCF-style: chr5-169174413-A-G.
Other names: short protein forms K761E.
Identifiers: ClinVar variation 2081496 (VCV002081496.4), dbSNP rs2532784048, ClinGen allele CA362196064.
Genomic context (GRCh38, chr5:169,747,409, plus strand): 5'-GTATTGTCTGTTAGCTTGAGAAATGACCCAGATGTATCTTGTTTCAGGCTTTATGAAGGC[A>G]AAGAACAGATGGAGTTTGAAGAATCCATGAGACGGCTCTTTGAATCCATCAACAATCTGA-3'
Protein context (NP_004937.1, residues 751-771): RTLFSQLYEG[Lys761Glu]EQMEFEESMR

ClinVar aggregate classification (germline): Uncertain significance (1 of 4 stars; one submission).

Conditions:
DOCK2 deficiency. Also called: Immunodeficiency 40. Identifiers: Orphanet 447737, MedGen C4225328, MONDO:0014637, OMIM 616433.

Allele frequency attached by ClinVar (database versions not stated): gnomAD exomes below 0.00001.
gnomAD v4.1: 2 of 1,612,990 alleles (0.00012%); highest among the groups gnomAD compares: Non-Finnish European, 0.000085%; no homozygotes.

Submission:

Labcorp Genetics (formerly Invitae), Labcorp
Classification: Uncertain significance for DOCK2 deficiency. Last evaluated: 2022-05-24. Review status: criteria provided, single submitter. Criteria: Invitae Variant Classification Sherloc (09022015). Collection method: clinical testing. Allele origin: germline.
Comment: This sequence change replaces lysine, which is basic and polar, with glutamic acid, which is acidic and polar, at codon 761 of the DOCK2 protein (p.Lys761Glu). In summary, the available evidence is currently insufficient to determine the role of this variant in disease. Therefore, it has been classified as a Variant of Uncertain Significance. Algorithms developed to predict the effect of missense changes on protein structure and function are either unavailable or do not agree on the potential impact of this missense change (SIFT: "Tolerated"; PolyPhen-2: "Possibly Damaging"; Align-GVGD: "Class C0"). This variant has not been reported in the literature in individuals affected with DOCK2-related conditions. This variant is not present in population databases (gnomAD no frequency).